The following is an entry in ClinVar:

NM_000051.4(ATM):c.6837dup (p.Gln2280fs)

Genes: ATM (ATM serine/threonine kinase; plus strand), C11orf65 (chromosome 11 open reading frame 65; minus strand). Cytogenetic location: 11q22.3.
Variant type: Duplication.
Coding change: c.6837dup on transcript NM_000051.4 (MANE Select); coding-DNA position 6837, one base duplicated (A; older notation c.6837dupA).
Protein change: p.Gln2280fs; shifts the reading frame from glutamine 2280.
Molecular consequence: frameshift variant. On other transcripts: intron variant (2).
Genome position (GRCh38, 1-based): chr11:108,326,087, A duplicated; the last of 3 consecutive A bases (chr11:108,326,085-108,326,087); duplicating any one gives the same sequence. VCF-style (leftmost placement, unchanged base first): chr11-108326084-T-TA. GRCh37 (hg19) VCF-style: chr11-108196811-T-TA.
Other names: c.6837dup, p.Gln2280fs (NM_001351834.2); c.641-17014dup (NM_001330368.2); c.*38+9135dup (NM_001351110.2); short protein forms Q2280fs.
Identifiers: ClinVar variation 3728762 (VCV003728762.2).

ClinVar aggregate classification (germline): Pathogenic (1 of 4 stars; one submission).

Conditions:
Ataxia-telangiectasia syndrome (AT). Also called: Ataxia-telangiectasia, complementation group D; AT, COMPLEMENTATION GROUP C; ATAXIA-TELANGIECTASIA, COMPLEMENTATION GROUP A; ATAXIA-TELANGIECTASIA, FRESNO VARIANT; Ataxia-telangiectasia; Ataxia-telangiectasia, complementation group E. Identifiers: Orphanet 100, MedGen C0004135, MONDO:0008840, OMIM 208900.

Submission:

Labcorp Genetics (formerly Invitae), Labcorp
Classification: Pathogenic for Ataxia-telangiectasia syndrome. Last evaluated: 2025-01-11. Review status: criteria provided, single submitter. Criteria: Invitae Variant Classification Sherloc (09022015). Collection method: clinical testing. Allele origin: germline.
Comment: This sequence change creates a premature translational stop signal (p.Gln2280Thrfs*6) in the ATM gene. It is expected to result in an absent or disrupted protein product. Loss-of-function variants in ATM are known to be pathogenic (PMID: 23807571, 25614872). This variant is not present in population databases (gnomAD no frequency). This variant has not been reported in the literature in individuals affected with ATM-related conditions. For these reasons, this variant has been classified as Pathogenic.

Literature cited by the submitters: PubMed 23807571; PubMed 25614872.